The following is an entry in ClinVar:

NM_024652.6(LRRK1):c.1408T>C (p.Phe470Leu)

Gene: LRRK1 (leucine rich repeat kinase 1; plus strand). Cytogenetic location: 15q26.3.
Variant type: single nucleotide variant.
Coding change: c.1408T>C on transcript NM_024652.6 (MANE Select); coding-DNA position 1408, T replaced by C.
Protein change: p.Phe470Leu; replaces phenylalanine 470 with leucine.
Molecular consequence: missense variant.
Genome position (GRCh38, 1-based): chr15:101,012,134, T>C. VCF-style: chr15-101012134-T-C. GRCh37 (hg19) VCF-style: chr15-101552339-T-C.
Other names: c.1408T>C (NM_024652.3); short protein forms F470L.
Identifiers: ClinVar variation 2184438 (VCV002184438.5), dbSNP rs1478879427, ClinGen allele CA393957765.
Genomic context (GRCh38, chr15:101,012,134, plus strand): 5'-AATCACCTGAAGGATGTGGATTTCTCAGAAAACGCACTCAAAGAAGTTCCCCTGGGACTT[T>C]TCCAGCTTGATGTAAGCCTAATAGCCCTTTCTTTCTCATTTTCGGCTTTTGAGAGAAAAT-3'
Protein context (NP_078928.3, residues 460-480): NALKEVPLGL[Phe470Leu]QLDALMFLRL

ClinVar aggregate classification (germline): Uncertain significance. Review status: criteria provided, multiple submitters, no conflicts (2 of 4 stars). 2 submissions from 2 submitters: Uncertain significance (2). Last evaluated 2025-09-22.

Conditions:
Inborn genetic diseases. Identifiers: MedGen C0950123, MeSH D030342.

Allele frequency attached by ClinVar (database versions not stated): gnomAD exomes below 0.00001; TOPMed below 0.00001.
gnomAD v4.1: 3 of 1,608,192 alleles (0.00019%); highest among the groups gnomAD compares: Non-Finnish European, 0.00017%; no homozygotes.

Submissions (2):

Ambry Genetics
Classification: Uncertain significance for Inborn genetic diseases. Last evaluated: 2025-09-22. Review status: criteria provided, single submitter. Criteria: Ambry Variant Classification Scheme 2023. Collection method: clinical testing. Allele origin: germline.

Labcorp Genetics (formerly Invitae), Labcorp
Classification: Uncertain significance. Last evaluated: 2024-08-31. Review status: criteria provided, single submitter. Criteria: Invitae Variant Classification Sherloc (09022015). Collection method: clinical testing. Allele origin: germline.
Comment: This sequence change replaces phenylalanine, which is neutral and non-polar, with leucine, which is neutral and non-polar, at codon 470 of the LRRK1 protein (p.Phe470Leu). The frequency data for this variant in the population databases is considered unreliable, as metrics indicate poor data quality at this position in the gnomAD database. This variant has not been reported in the literature in individuals affected with LRRK1-related conditions. ClinVar contains an entry for this variant (Variation ID: 2184438). An algorithm developed to predict the effect of missense changes on protein structure and function outputs the following: PolyPhen-2: "Benign". The leucine amino acid residue is found in multiple mammalian species, which suggests that this missense change does not adversely affect protein function. In summary, the available evidence is currently insufficient to determine the role of this variant in disease. Therefore, it has been classified as a Variant of Uncertain Significance.